The following is an entry in ClinVar:

ClinVar aggregate classification (germline): Conflicting classifications of pathogenicity. Review status: criteria provided, conflicting classifications (1 of 4 stars). 6 submissions from 5 submitters: Uncertain significance (1); Benign (1). 4 of the submissions do not count toward it. Last evaluated 2025-12-11.

Conditions:
Retinal dystrophy. Also called: Inherited retinal dystrophy. Identifiers: Orphanet 71862, MedGen C0854723, MeSH D058499, MONDO:0019118, HP:0000556.
Leber congenital amaurosis (LCA). Also called: Leber's amaurosis. Identifiers: Orphanet 65, MedGen C0339527, MeSH D057130, MONDO:0018998.
Retinitis pigmentosa 30 (RP30). Identifiers: Orphanet 791, MedGen C1842816, MONDO:0011935, OMIM 607921.
Macular degeneration. Also called: Degenerative disorder of macula. Identifiers: MedGen C0024437, MONDO:0003004, HP:0000608.

Allele frequency attached by ClinVar (database versions not stated): gnomAD 0.00040 and 0.00024; 1000 Genomes Project 0.00260; gnomAD exomes 0.00093 and 0.00034; TOPMed 0.00044; ExAC 0.00142; 1000 Genomes Project 30x 0.00297.

Submissions (6):

Labcorp Genetics (formerly Invitae), Labcorp
Classification: Benign. Last evaluated: 2025-12-11. Review status: criteria provided, single submitter. Criteria: Invitae Variant Classification Sherloc (09022015). Collection method: clinical testing. Allele origin: germline.

Dept Of Ophthalmology, Nagoya University
Classification: Uncertain significance for Retinal dystrophy. Last evaluated: 2023-10-01. Review status: criteria provided, single submitter. Criteria: Submitter's publication. Collection method: research. Allele origin: germline. Affected: yes.

Molecular Diagnostics Laboratory, Seoul National University Hospital
Classification: Uncertain significance for Leber congenital amaurosis. Last evaluated: 2014-09-18. Review status: no assertion criteria provided. Collection method: clinical testing. Allele origin: unknown. Affected: yes. Not counted in ClinVar's aggregate classification.

OMIM
Classification: Pathogenic for RETINITIS PIGMENTOSA 30. Last evaluated: 2008-09-01. Review status: no assertion criteria provided. Collection method: literature only. Allele origin: germline. Not counted in ClinVar's aggregate classification.

OMIM
Classification: Pathogenic for MACULAR DEGENERATION. Last evaluated: 2008-09-01. Review status: no assertion criteria provided. Collection method: literature only. Allele origin: germline. Not counted in ClinVar's aggregate classification.

Department of Ophthalmology and Visual Sciences Kyoto University
Classification: Likely benign. Review status: no assertion criteria provided. Collection method: not provided. Allele origin: unknown. Not counted in ClinVar's aggregate classification.
ClinVar note: Converted during submission from probable-non-pathogenic to Likely benign.

Literature cited by the submitters: PubMed 17251446 (cited by OMIM); PubMed 11527955 (cited by OMIM); PubMed 18450588 (cited by OMIM); PubMed 14609921 (cited by OMIM); PubMed 16280978 (cited by OMIM); PubMed 15994872 (cited by OMIM); PubMed 16799052 (cited by OMIM).

NM_012418.4(FSCN2):c.72del (p.Thr25fs)

Gene: FSCN2 (fascin actin-bundling protein 2, retinal; plus strand). Cytogenetic location: 17q25.3.
Variant type: Deletion.
Coding change: c.72del on transcript NM_012418.4 (MANE Select); coding-DNA position 72, one base deleted (G; older notation c.72delG).
Protein change: p.Thr25fs; shifts the reading frame from threonine 25.
Molecular consequence: frameshift variant.
Genome position (GRCh38, 1-based): chr17:81,528,603, G deleted. VCF-style (leftmost placement, unchanged base first): chr17-81528602-TG-T. GRCh37 (hg19) VCF-style: chr17-79495628-TG-T.
Other names: c.72del (NM_001077182.2); c.72delG (NM_001077182.3); c.72del, p.Thr25fs (NM_001077182.3); short protein forms T25fs.
Identifiers: ClinVar variation 2945 (VCV000002945.17), dbSNP rs376633374, ClinGen allele CA232826.